The following is an entry in ClinVar:

NM_000197.2(HSD17B3):c.672+1G>T

Genes: HSD17B3 (hydroxysteroid 17-beta dehydrogenase 3; minus strand), SLC35D2-HSD17B3 (SLC35D2-HSD17B3 readthrough; minus strand). Cytogenetic location: 9q22.32.
Variant type: single nucleotide variant.
Coding change: c.672+1G>T on transcript NM_000197.2 (MANE Select); the canonical splice donor site of the intron after coding-DNA position 672, G replaced by T.
Molecular consequence: splice donor variant.
Genome position (GRCh38, 1-based): chr9:96,244,328, C>A on the plus strand (G>T on the coding strand, the complement: HSD17B3 is on the minus strand). VCF-style: chr9-96244328-C-A. GRCh37 (hg19) VCF-style: chr9-99006610-C-A.
Identifiers: ClinVar variation 2702594 (VCV002702594.3), dbSNP rs1434833641, ClinGen allele CA374123404.

ClinVar aggregate classification (germline): Likely pathogenic (1 of 4 stars; one submission).

Submission:

Labcorp Genetics (formerly Invitae), Labcorp
Classification: Likely pathogenic. Last evaluated: 2023-12-12. Review status: criteria provided, single submitter. Criteria: Invitae Variant Classification Sherloc (09022015). Collection method: clinical testing. Allele origin: germline.
Comment: This sequence change affects a donor splice site in intron 9 of the HSD17B3 gene. It is expected to disrupt RNA splicing. Variants that disrupt the donor or acceptor splice site typically lead to a loss of protein function (PMID: 16199547), and loss-of-function variants in HSD17B3 are known to be pathogenic (PMID: 23796702, 25740850). This variant is not present in population databases (gnomAD no frequency). This variant has not been reported in the literature in individuals affected with HSD17B3-related conditions. Algorithms developed to predict the effect of sequence changes on RNA splicing suggest that this variant may disrupt the consensus splice site. In summary, the currently available evidence indicates that the variant is pathogenic, but additional data are needed to prove that conclusively. Therefore, this variant has been classified as Likely Pathogenic.

Literature cited by the submitters: PubMed 16199547; PubMed 23796702; PubMed 25740850.